The following is an entry in ClinVar:

ClinVar aggregate classification (germline): Uncertain significance (1 of 4 stars; one submission).

Conditions:
RASopathy. Also called: Noonan spectrum disorder; rasopathies. Identifiers: Orphanet 536391, MedGen C5555857, MONDO:0021060.

Submission:

Labcorp Genetics (formerly Invitae), Labcorp
Classification: Uncertain significance for RASopathy. Last evaluated: 2024-08-14. Review status: criteria provided, single submitter. Criteria: Invitae Variant Classification Sherloc (09022015). Collection method: clinical testing. Allele origin: germline.
Comment: This sequence change replaces alanine, which is neutral and non-polar, with threonine, which is neutral and polar, at codon 358 of the MAP2K2 protein (p.Ala358Thr). This variant is not present in population databases (gnomAD no frequency). This variant has not been reported in the literature in individuals affected with MAP2K2-related conditions. Invitae Evidence Modeling of protein sequence and biophysical properties (such as structural, functional, and spatial information, amino acid conservation, physicochemical variation, residue mobility, and thermodynamic stability) indicates that this missense variant is not expected to disrupt MAP2K2 protein function with a negative predictive value of 95%. In summary, the available evidence is currently insufficient to determine the role of this variant in disease. Therefore, it has been classified as a Variant of Uncertain Significance.

NM_030662.4(MAP2K2):c.1072G>A (p.Ala358Thr)

Gene: MAP2K2 (mitogen-activated protein kinase kinase 2; minus strand). Cytogenetic location: 19p13.3.
Variant type: single nucleotide variant.
Coding change: c.1072G>A on transcript NM_030662.4 (MANE Select); coding-DNA position 1072, G replaced by A.
Protein change: p.Ala358Thr; replaces alanine 358 with threonine.
Molecular consequence: missense variant.
Genome position (GRCh38, 1-based): chr19:4,094,473, C>T on the plus strand (G>A on the coding strand, the complement: MAP2K2 is on the minus strand). VCF-style: chr19-4094473-C-T. GRCh37 (hg19) VCF-style: chr19-4094471-C-T.
Other names: short protein forms A358T.
Identifiers: ClinVar variation 3678074 (VCV003678074.2).
Genomic context (GRCh38, chr19:4,094,473, plus strand): 5'-CTGCACCCTCCCGGTCCCAGAACCCGCTGGCATCACTCACTGTGAGCATCTTCAGGTCCG[C>T]CCGCTCCGCTGGGTTCTTGATGAGGCTGGGGGTTCCAAGAGGCAGGACCGGGAGGCGGTG-3'
Protein context (NP_109587.1, residues 348-368): KCLIKNPAER[Ala358Thr]DLKMLTNHTF